The following is an entry in ClinVar:

NM_007186.6(CEP250):c.241G>A (p.Gly81Arg)

Gene: CEP250 (centrosomal protein 250; plus strand). Cytogenetic location: 20q11.22.
Variant type: single nucleotide variant.
Coding change: c.241G>A on transcript NM_007186.6 (MANE Select); coding-DNA position 241, G replaced by A.
Protein change: p.Gly81Arg; replaces glycine 81 with arginine.
Molecular consequence: missense variant. On other transcripts: 5 prime UTR variant (1).
Genome position (GRCh38, 1-based): chr20:35,463,629, G>A. VCF-style: chr20-35463629-G-A. GRCh37 (hg19) VCF-style: chr20-34051454-G-A.
Other names: c.-1659G>A (NM_001318219.1); short protein forms G81R.
Identifiers: ClinVar variation 2492899 (VCV002492899.4), dbSNP rs2062807607, ClinGen allele CA408752204.
Genomic context (GRCh38, chr20:35,463,629, plus strand): 5'-CTGCAGGTGCTGCAGTACCGAAGCTGGTGCCAAGAGCTGGAGAAGCGGCTAGAAGCCACT[G>A]GAGTGAGTGAGGCTGAGCTCTCTGCACCCCCTGGGTCCTCAGTGAATATACTTGTTAGGT-3'
Protein context (NP_009117.2, residues 71-91): QELEKRLEAT[Gly81Arg]GPIPQRWENV

ClinVar aggregate classification (germline): Uncertain significance. Review status: criteria provided, multiple submitters, no conflicts (2 of 4 stars). 3 submissions from 3 submitters: Uncertain significance (3). Last evaluated 2025-05-26.

Allele frequency attached by ClinVar (database versions not stated): TOPMed below 0.00001; gnomAD exomes 0.00001.
gnomAD v4.1: 7 of 1,608,336 alleles (0.00044%); highest among the groups gnomAD compares: Non-Finnish European, 0.00059%; no homozygotes.

Submissions (3):

Labcorp Genetics (formerly Invitae), Labcorp
Classification: Uncertain significance. Last evaluated: 2025-05-26. Review status: criteria provided, single submitter. Criteria: Invitae Variant Classification Sherloc (09022015). Collection method: clinical testing. Allele origin: germline.
Comment: This sequence change replaces glycine, which is neutral and non-polar, with arginine, which is basic and polar, at codon 81 of the CEP250 protein (p.Gly81Arg). This variant is not present in population databases (gnomAD no frequency). This variant has not been reported in the literature in individuals affected with CEP250-related conditions. ClinVar contains an entry for this variant (Variation ID: 2492899). An algorithm developed to predict the effect of missense changes on protein structure and function (PolyPhen-2) suggests that this variant is likely to be disruptive. In summary, the available evidence is currently insufficient to determine the role of this variant in disease. Therefore, it has been classified as a Variant of Uncertain Significance.

Ambry Genetics
Classification: Uncertain significance. Last evaluated: 2023-03-01. Review status: criteria provided, single submitter. Criteria: Ambry Variant Classification Scheme 2023. Collection method: clinical testing. Allele origin: germline.

Blueprint Genetics
Classification: Uncertain significance. Last evaluated: 2022-08-29. Review status: criteria provided, single submitter. Criteria: ACMG Guidelines, 2015. Collection method: clinical testing. Allele origin: germline.